The following is an entry in ClinVar:

ClinVar aggregate classification (germline): Conflicting classifications of pathogenicity. Review status: criteria provided, conflicting classifications (1 of 4 stars). 4 submissions from 4 submitters: Uncertain significance (1); Likely benign (2). 1 of the submissions does not count toward it. Last evaluated 2026-01-06.

Conditions:
LYST-related disorder. Also called: LYST-related condition.
Inborn genetic diseases. Identifiers: MedGen C0950123, MeSH D030342.
Chédiak-Higashi syndrome (CHS). Also called: Chediak-Higashi Syndrome. Identifiers: Orphanet 167, MedGen C0007965, MONDO:0008963, OMIM 214500.

Allele frequency attached by ClinVar (database versions not stated): gnomAD exomes 0.00006 and 0.00016; ExAC 0.00024; gnomAD 0.00042 and 0.00043; TOPMed 0.00053; ESP Exome Variant Server 0.00085; 1000 Genomes Project 0.00100; 1000 Genomes Project 30x 0.00109.
gnomAD v4.1: 146 of 1,614,210 alleles (0.009%); highest among the groups gnomAD compares: African/African-American, 0.18%; 1 homozygote.

Submissions (4):

Labcorp Genetics (formerly Invitae), Labcorp
Classification: Likely benign for Chédiak-Higashi syndrome. Last evaluated: 2026-01-06. Review status: criteria provided, single submitter. Criteria: Invitae Variant Classification Sherloc (09022015). Collection method: clinical testing. Allele origin: germline.

Ambry Genetics
Classification: Likely benign for Inborn genetic diseases. Last evaluated: 2023-10-05. Review status: criteria provided, single submitter. Criteria: Ambry Variant Classification Scheme 2023. Collection method: clinical testing. Allele origin: germline.

Revvity Omics, Revvity
Classification: Uncertain significance for Chédiak-Higashi syndrome. Last evaluated: 2020-03-05. Review status: criteria provided, single submitter. Criteria: ACMG Guidelines, 2015. Collection method: clinical testing. Allele origin: germline.

PreventionGenetics, part of Exact Sciences
Classification: Likely benign for LYST-related condition. Last evaluated: 2023-06-23. Review status: no assertion criteria provided. Collection method: clinical testing. Allele origin: germline. Not counted in ClinVar's aggregate classification.
Comment: This variant is classified as likely benign based on ACMG/AMP sequence variant interpretation guidelines (Richards et al. 2015 PMID: 25741868, with internal and published modifications).

NM_000081.4(LYST):c.692A>G (p.Gln231Arg)

Gene: LYST (lysosomal trafficking regulator; minus strand). Cytogenetic location: 1q42.3.
Variant type: single nucleotide variant.
Coding change: c.692A>G on transcript NM_000081.4 (MANE Select); coding-DNA position 692, A replaced by G.
Protein change: p.Gln231Arg; replaces glutamine 231 with arginine.
Molecular consequence: missense variant.
Genome position (GRCh38, 1-based): chr1:235,810,126, T>C on the plus strand (A>G on the coding strand, the complement: LYST is on the minus strand). VCF-style: chr1-235810126-T-C. GRCh37 (hg19) VCF-style: chr1-235973426-T-C.
Other names: c.692A>G, p.Gln231Arg (NM_001301365.1); c.692A>G (NM_000081.2); short protein forms Q231R.
Identifiers: ClinVar variation 704023 (VCV000704023.14), dbSNP rs147433918, ClinGen allele CA1467578.